The following is an entry in ClinVar:

NM_018684.4(ZC4H2):c.331C>A (p.Leu111Met)

Gene: ZC4H2 (zinc finger C4H2-type containing; minus strand). Cytogenetic location: Xq11.2.
Variant type: single nucleotide variant.
Coding change: c.331C>A on transcript NM_018684.4 (MANE Select); coding-DNA position 331, C replaced by A.
Protein change: p.Leu111Met; replaces leucine 111 with methionine.
Molecular consequence: missense variant. On other transcripts: non-coding transcript variant (1).
Genome position (GRCh38, 1-based): chrX:64,920,148, G>T on the plus strand (C>A on the coding strand, the complement: ZC4H2 is on the minus strand). VCF-style: chrX-64920148-G-T. GRCh37 (hg19) VCF-style: chrX-64140028-G-T.
Other names: c.331C>A (NM_018684.3); c.262C>A, p.Leu88Met (NM_001178032.3, NM_001243804.2); c.331C>A, p.Leu111Met (NM_001178033.3); short protein forms L111M, L88M.
Identifiers: ClinVar variation 2246239 (VCV002246239.9), dbSNP rs1361669364, ClinGen allele CA413411833.
Genomic context (GRCh38, chrX:64,920,148, plus strand): 5'-AAAGCTTCTCCTCTTCTTCACACAAGTCAGGGAGCCTCTGCAGGCCCAGAGTCATGCGCA[G>T]GGCATCCACATGTTCTTTCAGTGGCTTATACTCATCATGCAGCCTCCTTGTAGACTCTAG-3'
Protein context (NP_061154.1, residues 101-121): YKPLKEHVDA[Leu111Met]RMTLGLQRLP

ClinVar aggregate classification (germline): Conflicting classifications of pathogenicity. Review status: criteria provided, conflicting classifications (1 of 4 stars). 3 submissions from 3 submitters: Uncertain significance (1); Benign (1); Likely benign (1). Last evaluated 2025-05-08.

Conditions:
Inborn genetic diseases. Identifiers: MedGen C0950123, MeSH D030342.

Allele frequency attached by ClinVar (database versions not stated): TOPMed 0.00007.
gnomAD v4.1: 12 of 1,209,879 alleles (0.00099%); highest among the groups gnomAD compares: African/African-American, 0.012%; no homozygotes.

Submissions (3):

Women's Health and Genetics/Laboratory Corporation of America, LabCorp
Classification: Likely benign. Last evaluated: 2025-05-08. Review status: criteria provided, single submitter. Criteria: LabCorp Variant Classification Summary - May 2015. Collection method: clinical testing. Allele origin: germline.
Comment: Variant summary: ZC4H2 c.331C>A (p.Leu111Met) results in a conservative amino acid change in the encoded protein sequence. Algorithms developed to predict the effect of missense changes on protein structure and function are either unavailable or do not agree on the potential impact of this missense change. The variant allele was found at a frequency of 1e-05 in 1204819 control chromosomes (in 12 alleles, including 3 hemizygotes) in the gnomAD database (v4.1 dataset). The occurrence in multiple carriers suggests that this variant is likely not associated with a high penetrance, severe, early onset disease phenotype in heterozygous (or hemizygous) state. To our knowledge, no occurrence of c.331C>A in individuals affected with Wieacker-Wolff Syndrome and no experimental evidence demonstrating its impact on protein function have been reported. ClinVar contains an entry for this variant (Variation ID: 2246239). Based on the evidence outlined above, the variant was classified as likely benign.

Labcorp Genetics (formerly Invitae), Labcorp
Classification: Benign. Last evaluated: 2025-02-24. Review status: criteria provided, single submitter. Criteria: Invitae Variant Classification Sherloc (09022015). Collection method: clinical testing. Allele origin: germline.

Ambry Genetics
Classification: Uncertain significance for Inborn genetic diseases. Last evaluated: 2021-08-17. Review status: criteria provided, single submitter. Criteria: Ambry Variant Classification Scheme 2023. Collection method: clinical testing. Allele origin: germline.